The following is an entry in ClinVar:

ClinVar aggregate classification (germline): Benign/Likely benign. Review status: criteria provided, multiple submitters, no conflicts (2 of 4 stars). 3 submissions from 3 submitters: Benign (1); Likely benign (2). Last evaluated 2024-10-10.

Conditions:
Hereditary cancer-predisposing syndrome. Also called: Neoplastic Syndromes, Hereditary; Hereditary Cancer Syndrome; Hereditary neoplastic syndrome; Tumor predisposition. Identifiers: Orphanet 140162, MedGen C0027672, MeSH D009386, MONDO:0015356.
Hereditary diffuse gastric adenocarcinoma (HDGC). Also called: DIFFUSE GASTRIC AND LOBULAR BREAST CANCER SYNDROME. Identifiers: Orphanet 26106, MedGen C1708349, MONDO:0007648, OMIM 137215.

gnomAD v4.1: 1 of 1,614,084 alleles (0.000062%); highest among the groups gnomAD compares: African/African-American, 0.0013%; no homozygotes.

Submissions (3):

Myriad Genetics, Inc.
Classification: Benign for Hereditary diffuse gastric adenocarcinoma. Last evaluated: 2024-10-10. Review status: criteria provided, single submitter. Criteria: Myriad Autosomal Dominant, Autosomal Recessive and X-Linked Classification Criteria (2023). Collection method: clinical testing. Allele origin: unknown.
Comment: This variant is considered benign. This variant is a silent/synonymous amino acid change and it is not expected to impact splicing.

Ambry Genetics
Classification: Likely benign for Hereditary cancer-predisposing syndrome. Last evaluated: 2023-07-29. Review status: criteria provided, single submitter. Criteria: Ambry Variant Classification Scheme 2023. Collection method: clinical testing. Allele origin: germline.

Labcorp Genetics (formerly Invitae), Labcorp
Classification: Likely benign. Last evaluated: 2023-05-07. Review status: criteria provided, single submitter. Criteria: Invitae Variant Classification Sherloc (09022015). Collection method: clinical testing. Allele origin: germline.

NM_001903.5(CTNNA1):c.702C>G (p.Val234=)

Gene: CTNNA1 (catenin alpha 1; plus strand). Cytogenetic location: 5q31.2.
Variant type: single nucleotide variant.
Coding change: c.702C>G on transcript NM_001903.5 (MANE Select); coding-DNA position 702, C replaced by G.
Protein change: p.Val234=; no amino-acid change (valine 234 retained).
Molecular consequence: synonymous variant.
Genome position (GRCh38, 1-based): chr5:138,824,643, C>G. VCF-style: chr5-138824643-C-G. GRCh37 (hg19) VCF-style: chr5-138160332-C-G.
Other names: c.702C>G, p.Val234= (NM_001290307.3, NM_001323982.2, NM_001323983.1 and 3 more transcripts); c.393C>G, p.Val131= (NM_001290309.3); c.333C>G, p.Val111= (NM_001290310.3); c.702C>G (NM_001903.2).
Identifiers: ClinVar variation 2195729 (VCV002195729.7), dbSNP rs745876119, ClinGen allele CA446594757.